The following is an entry in ClinVar:

NM_024685.4(BBS10):c.1325C>T (p.Thr442Ile)

Gene: BBS10 (Bardet-Biedl syndrome 10; minus strand). Cytogenetic location: 12q21.2.
Variant type: single nucleotide variant.
Coding change: c.1325C>T on transcript NM_024685.4 (MANE Select); coding-DNA position 1325, C replaced by T.
Protein change: p.Thr442Ile; replaces threonine 442 with isoleucine.
Molecular consequence: missense variant.
Genome position (GRCh38, 1-based): chr12:76,346,660, G>A on the plus strand (C>T on the coding strand, the complement: BBS10 is on the minus strand). VCF-style: chr12-76346660-G-A. GRCh37 (hg19) VCF-style: chr12-76740440-G-A.
Other names: c.1325C>T (NM_024685.3); short protein forms T442I.
Identifiers: ClinVar variation 990678 (VCV000990678.5), dbSNP rs780966013, ClinGen allele CA6694192.

ClinVar aggregate classification (germline): Uncertain significance. Review status: criteria provided, multiple submitters, no conflicts (2 of 4 stars). 4 submissions from 4 submitters: Uncertain significance (3). 1 of the submissions does not count toward it. Last evaluated 2024-10-23.

Conditions:
Bardet-Biedl syndrome 10 (BBS10). Identifiers: Orphanet 110, MedGen C1859568, MONDO:0014438, OMIM 615987.
Inborn genetic diseases. Identifiers: MedGen C0950123, MeSH D030342.
Bardet-Biedl syndrome (BBS). Identifiers: Orphanet 110, MedGen C0752166, MONDO:0015229.
BBS10-related disorder. Also called: BBS10-related condition.

Allele frequency attached by ClinVar (database versions not stated): TOPMed 0.00001; gnomAD 0.00003.
gnomAD v4.1: 40 of 1,613,914 alleles (0.0025%); highest among the groups gnomAD compares: East Asian, 0.0045%; no homozygotes.

Submissions (4):

PreventionGenetics, part of Exact Sciences
Classification: Uncertain significance for BBS10-related condition. Last evaluated: 2024-10-23. Review status: criteria provided, single submitter. Criteria: ACMG Guidelines, 2015. Collection method: clinical testing. Allele origin: germline.
Comment: The BBS10 c.1325C>T variant is predicted to result in the amino acid substitution p.Thr442Ile. To our knowledge, this variant has not been reported in the literature. This variant is reported in 0.0050% of alleles in individuals of East Asian descent in gnomAD. At this time, the clinical significance of this variant is uncertain due to the absence of conclusive functional and genetic evidence.

Labcorp Genetics (formerly Invitae), Labcorp
Classification: Uncertain significance for Bardet-Biedl syndrome. Last evaluated: 2024-02-22. Review status: criteria provided, single submitter. Criteria: Invitae Variant Classification Sherloc (09022015). Collection method: clinical testing. Allele origin: germline.
Comment: This sequence change replaces threonine, which is neutral and polar, with isoleucine, which is neutral and non-polar, at codon 442 of the BBS10 protein (p.Thr442Ile). This variant is present in population databases (rs780966013, gnomAD 0.005%). This variant has not been reported in the literature in individuals affected with BBS10-related conditions. ClinVar contains an entry for this variant (Variation ID: 990678). Advanced modeling of protein sequence and biophysical properties (such as structural, functional, and spatial information, amino acid conservation, physicochemical variation, residue mobility, and thermodynamic stability) performed at Invitae indicates that this missense variant is not expected to disrupt BBS10 protein function with a negative predictive value of 80%. In summary, the available evidence is currently insufficient to determine the role of this variant in disease. Therefore, it has been classified as a Variant of Uncertain Significance.

Ambry Genetics
Classification: Uncertain significance for Inborn genetic diseases. Last evaluated: 2022-12-13. Review status: criteria provided, single submitter. Criteria: Ambry Variant Classification Scheme 2023. Collection method: clinical testing. Allele origin: germline.

Natera, Inc.
Classification: Uncertain significance for Bardet-Biedl syndrome type 10. Last evaluated: 2020-08-13. Review status: no assertion criteria provided. Collection method: clinical testing. Allele origin: germline. Not counted in ClinVar's aggregate classification.